The following is an entry in ClinVar:

ClinVar aggregate classification (germline): Uncertain significance (1 of 4 stars; one submission).

Allele frequency attached by ClinVar (database versions not stated): gnomAD exomes below 0.00001; TOPMed below 0.00001.
gnomAD v4.1: 2 of 1,609,244 alleles (0.00012%); highest among the groups gnomAD compares: Non-Finnish European, 0.00017%; no homozygotes.

Submission:

Labcorp Genetics (formerly Invitae), Labcorp
Classification: Uncertain significance. Last evaluated: 2022-03-03. Review status: criteria provided, single submitter. Criteria: Invitae Variant Classification Sherloc (09022015). Collection method: clinical testing. Allele origin: germline.
Comment: This sequence change replaces serine, which is neutral and polar, with glycine, which is neutral and non-polar, at codon 479 of the SKIV2L protein (p.Ser479Gly). This variant is not present in population databases (gnomAD no frequency). This variant has not been reported in the literature in individuals affected with SKIV2L-related conditions. Algorithms developed to predict the effect of missense changes on protein structure and function are either unavailable or do not agree on the potential impact of this missense change (SIFT: "Deleterious"; PolyPhen-2: "Possibly Damaging"; Align-GVGD: "Class C0"). In summary, the available evidence is currently insufficient to determine the role of this variant in disease. Therefore, it has been classified as a Variant of Uncertain Significance.

NM_006929.5(SKIC2):c.1435A>G (p.Ser479Gly)

Gene: SKIC2 (SKI2 subunit of superkiller complex; plus strand). Cytogenetic location: 6p21.33.
Variant type: single nucleotide variant.
Coding change: c.1435A>G on transcript NM_006929.5 (MANE Select); coding-DNA position 1435, A replaced by G.
Protein change: p.Ser479Gly; replaces serine 479 with glycine.
Molecular consequence: missense variant.
Genome position (GRCh38, 1-based): chr6:31,963,444, A>G. VCF-style: chr6-31963444-A-G. GRCh37 (hg19) VCF-style: chr6-31931221-A-G.
Other names: short protein forms S479G.
Identifiers: ClinVar variation 1437102 (VCV001437102.5), dbSNP rs1772615568, ClinGen allele CA363456598.